The following is an entry in ClinVar:

NM_004656.4(BAP1):c.448C>T (p.Arg150Cys)

Gene: BAP1 (BRCA1 associated deubiquitinase 1; minus strand). Cytogenetic location: 3p21.1.
Variant type: single nucleotide variant.
Coding change: c.448C>T on transcript NM_004656.4 (MANE Select); coding-DNA position 448, C replaced by T.
Protein change: p.Arg150Cys; replaces arginine 150 with cysteine.
Molecular consequence: missense variant.
Genome position (GRCh38, 1-based): chr3:52,407,306, G>A on the plus strand (C>T on the coding strand, the complement: BAP1 is on the minus strand). VCF-style: chr3-52407306-G-A. GRCh37 (hg19) VCF-style: chr3-52441322-G-A.
Other names: short protein forms R150C.
Identifiers: ClinVar variation 240059 (VCV000240059.15), dbSNP rs548946316, ClinGen allele CA10582205.

ClinVar aggregate classification (germline): Conflicting classifications of pathogenicity. Review status: criteria provided, conflicting classifications (1 of 4 stars). 4 submissions from 4 submitters: Uncertain significance (3); Likely benign (1). Last evaluated 2025-12-08.

Conditions:
Hereditary cancer-predisposing syndrome. Also called: Neoplastic Syndromes, Hereditary; Hereditary neoplastic syndrome; Tumor predisposition; Hereditary Cancer Syndrome. Identifiers: Orphanet 140162, MedGen C0027672, MeSH D009386, MONDO:0015356.
BAP1-related tumor predisposition syndrome (TPDS1). Also called: Tumor susceptibility linked to germline BAP1 mutations; BAP1 tumor predisposition syndrome; COMMON Syndrome; TUMOR PREDISPOSITION SYNDROME 1. Identifiers: Orphanet 289539, MedGen C3280492, MONDO:0013692, OMIM 614327.

Allele frequency attached by ClinVar (database versions not stated): gnomAD exomes 0.00001.

Submissions (4):

Labcorp Genetics (formerly Invitae), Labcorp
Classification: Uncertain significance for BAP1-related tumor predisposition syndrome. Last evaluated: 2025-12-08. Review status: criteria provided, single submitter. Criteria: Invitae Variant Classification Sherloc (09022015). Collection method: clinical testing. Allele origin: germline.
Comment: This sequence change replaces arginine, which is basic and polar, with cysteine, which is neutral and slightly polar, at codon 150 of the BAP1 protein (p.Arg150Cys). This variant is not present in population databases (gnomAD no frequency). This missense change has been observed in individual(s) with both cutaneous malignant melanoma and breast cancer and melanoma (PMID: 25787093, 28062663). ClinVar contains an entry for this variant (Variation ID: 240059). Invitae Evidence Modeling of protein sequence and biophysical properties (such as structural, functional, and spatial information, amino acid conservation, physicochemical variation, residue mobility, and thermodynamic stability) indicates that this missense variant is expected to disrupt BAP1 protein function with a positive predictive value of 80%. In summary, the available evidence is currently insufficient to determine the role of this variant in disease. Therefore, it has been classified as a Variant of Uncertain Significance.

Ambry Genetics
Classification: Likely benign for Hereditary cancer-predisposing syndrome. Last evaluated: 2024-12-19. Review status: criteria provided, single submitter. Criteria: Ambry Variant Classification Scheme 2023. Collection method: clinical testing. Allele origin: germline.

Color Diagnostics, LLC DBA Color Health
Classification: Uncertain significance for Hereditary cancer-predisposing syndrome. Last evaluated: 2021-02-26. Review status: criteria provided, single submitter. Criteria: ACMG Guidelines, 2015. Collection method: clinical testing. Allele origin: germline.
Comment: This missense variant replaces arginine with cysteine at codon 150 of the BAP1 protein. Computational prediction suggests that this variant may not impact protein structure and function (internally defined REVEL score threshold <= 0.5, PMID: 27666373). To our knowledge, functional studies have not been reported for this variant. This variant has been reported in individuals affected with melanoma (PMID: 25787093, 28062663). This variant has not been identified in the general population by the Genome Aggregation Database (gnomAD). The available evidence is insufficient to determine the role of this variant in disease conclusively. Therefore, this variant is classified as a Variant of Uncertain Significance.

GeneDx
Classification: Uncertain significance. Last evaluated: 2020-11-20. Review status: criteria provided, single submitter. Criteria: GeneDx Variant Classification (06012015). Collection method: clinical testing. Allele origin: germline. Affected: yes.
Comment: Not observed in large population cohorts (Lek et al., 2016) In silico analysis supports that this missense variant has a deleterious effect on protein structure/function This variant is associated with the following publications: (PMID: 26683624, 28793149, 25787093, 28062663)

Literature cited by the submitters: PubMed 25787093 (cited by Labcorp Genetics (formerly Invitae), Labcorp and Ambry Genetics); PubMed 28062663 (cited by Labcorp Genetics (formerly Invitae), Labcorp and Ambry Genetics); PubMed 38969833 (cited by Ambry Genetics).